The following is an entry in ClinVar:

ClinVar aggregate classification (germline): Uncertain significance (1 of 4 stars; one submission).

Submission:

GeneDx
Classification: Uncertain significance. Last evaluated: 2023-02-03. Review status: criteria provided, single submitter. Criteria: GeneDx Variant Classification Process June 2021. Collection method: clinical testing. Allele origin: germline. Affected: yes.
Comment: Not observed at significant frequency in large population cohorts (gnomAD); Frameshift variant in which the last 3 amino acids are replaced with 17 different amino acids; Has not been previously published as pathogenic or benign to our knowledge

NM_023110.3(FGFR1):c.2460del (p.Lys820fs)

Gene: FGFR1 (fibroblast growth factor receptor 1; minus strand). Cytogenetic location: 8p11.23.
Variant type: Deletion.
Coding change: c.2460del on transcript NM_023110.3 (MANE Select); coding-DNA position 2460, one base deleted (A; older notation c.2460delA).
Protein change: p.Lys820fs; shifts the reading frame from lysine 820.
Molecular consequence: frameshift variant. On other transcripts: intron variant (3).
Genome position (GRCh38, 1-based): chr8:38,413,637, T deleted on the plus strand (A on the coding strand, the reverse complement: FGFR1 is on the minus strand); the first of 3 consecutive T bases (chr8:38,413,637-38,413,639); deleting any one gives the same sequence. VCF-style (leftmost placement, unchanged base first): chr8-38413636-GT-G. GRCh37 (hg19) VCF-style: chr8-38271154-GT-G.
Other names: c.2458delA, p.Lys820Asnfs (NM_000604.2, NM_023110.2); c.2454del, p.Lys818fs (NM_001174063.2, NM_001174065.2, NM_015850.4); c.2430del, p.Lys810fs (NM_001174064.2); c.2193del, p.Lys731fs (NM_001174066.2, NM_023105.3); c.2553del, p.Lys851fs (NM_001174067.2); c.2181del, p.Lys727fs (NM_001354368.2); c.2446delA, p.Lys816Asnfs (NM_001410922.1); c.2187del, p.Lys729fs (NM_023106.3); and 3 more; short protein forms K727fs, K729fs, K731fs, K810fs, K818fs, K820fs, K851fs.
Identifiers: ClinVar variation 2428879 (VCV002428879.3), dbSNP rs1586083500, ClinGen allele CA2580078238.